The following is an entry in ClinVar:

ClinVar aggregate classification (germline): Pathogenic (1 of 4 stars; one submission).

Conditions:
CTNNB1-related disorder. Also called: CTNNB1-related condition.

Submission:

Clinical Genomics Laboratory, Washington University in St. Louis
Classification: Pathogenic for CTNNB1-related disorders. Last evaluated: 2024-12-16. Review status: criteria provided, single submitter. Criteria: Leon-Quintero et al. (Clin Genet. 2025). Collection method: clinical testing. Allele origin: somatic. Affected: yes.
Comment: A CTNNB1 c.999_1006delinsT (p.Glu334Tyrfs*9) variant was identified at an allelic fraction consistent with somatic origin. To our knowledge, this variant has not been reported in the medical literature. It is absent from the general population (gnomAD v.4.1.0), indicating it is not a common variant. This variant causes a frameshift by deleting seven nucleotides followed by a single nucleotide variant, leading to a premature termination codon, which is predicted to lead to nonsense mediated decay. Based on available information and an internally developed protocol informed by the ACMG/AMP guidelines for variant interpretation and gene-specific practices from the ClinGen Criteria Specification Registry (Leon-Quintero FZ et al., PMID: 39434542), the CTNNB1 c.999_1006delinsT (p.Glu334Tyrfs*9) variant is pathogenic.

NM_001904.4(CTNNB1):c.999_1006delinsT (p.Glu334fs)

Gene: CTNNB1 (catenin beta 1; plus strand). Cytogenetic location: 3p22.1.
Variant type: Indel.
Coding change: c.999_1006delinsT on transcript NM_001904.4 (MANE Select); coding-DNA positions 999 to 1006, CGAAAAAC replaced by T.
Protein change: p.Glu334fs; shifts the reading frame from glutamic acid 334.
Molecular consequence: frameshift variant.
Genome position (GRCh38, 1-based): chr3:41,227,270-41,227,277, CGAAAAAC replaced by T. VCF-style: chr3-41227270-CGAAAAAC-T. GRCh37 (hg19) VCF-style: chr3-41268761-CGAAAAAC-T.
Other names: c.999_1006delinsT, p.Glu334fs (NM_001098209.2, NM_001098210.2); c.978_985delinsT, p.Glu327fs (NM_001330729.2); short protein forms E327fs, E334fs.
Identifiers: ClinVar variation 3774499 (VCV003774499.1).